The following is an entry in ClinVar:

ClinVar aggregate classification (germline): Pathogenic (1 of 4 stars; one submission).

Conditions:
ALG9 congenital disorder of glycosylation (CDG1L). Also called: CONGENITAL DISORDER OF GLYCOSYLATION, TYPE Il; CDG Il; ALG9-CDG. Identifiers: Orphanet 79328, MedGen C2931006, MONDO:0012117, OMIM 608776.

Submission:

Labcorp Genetics (formerly Invitae), Labcorp
Classification: Pathogenic for ALG9 congenital disorder of glycosylation. Last evaluated: 2024-11-22. Review status: criteria provided, single submitter. Criteria: Invitae Variant Classification Sherloc (09022015). Collection method: clinical testing. Allele origin: germline.
Comment: This sequence change creates a premature translational stop signal (p.Thr43Profs*33) in the ALG9 gene. It is expected to result in an absent or disrupted protein product. Loss-of-function variants in ALG9 are known to be pathogenic (PMID: 25966638). This variant is not present in population databases (gnomAD no frequency). This variant has not been reported in the literature in individuals affected with ALG9-related conditions. For these reasons, this variant has been classified as Pathogenic.

Literature cited by the submitters: PubMed 25966638.

NM_024740.2(ALG9):c.126del (p.Thr43fs)

Genes: ALG9 (ALG9 alpha-1,2-mannosyltransferase; minus strand), LOC130006752 (ATAC-STARR-seq lymphoblastoid silent region 3902; plus strand). Cytogenetic location: 11q23.1.
Variant type: Deletion.
Coding change: c.126del on transcript NM_024740.2 (MANE Select); coding-DNA position 126, one base deleted (G; older notation c.126delG).
Protein change: p.Thr43fs; shifts the reading frame from threonine 43.
Molecular consequence: frameshift variant. On other transcripts: 5 prime UTR variant (3).
Genome position (GRCh38, 1-based): chr11:111,871,357, C deleted on the plus strand (G on the coding strand, the reverse complement: ALG9 is on the minus strand); the first of 2 consecutive C bases (chr11:111,871,357-111,871,358); deleting either gives the same sequence. VCF-style (leftmost placement, unchanged base first): chr11-111871356-TC-T. GRCh37 (hg19) VCF-style: chr11-111742079-TC-T.
Other names: c.126del, p.Thr43fs (NM_001077690.1, NM_001352417.1, NM_001352418.1); c.-249del (NM_001352409.1); c.-392del (NM_001352410.1, NM_001352413.1); short protein forms T43fs.
Identifiers: ClinVar variation 3665027 (VCV003665027.2).